The following is an entry in ClinVar:

ClinVar aggregate classification (germline): Benign (1 of 4 stars; one submission).

Allele frequency attached by ClinVar (database versions not stated): gnomAD 0.37568 and 0.37729; TOPMed 0.37852; 1000 Genomes Project 0.38419; 1000 Genomes Project 30x 0.38601.
gnomAD v4.1: 57,272 of 151,818 alleles (38%); highest among the groups gnomAD compares: South Asian, 43%; 10,838 homozygotes.

Submission:

GeneDx
Classification: Benign. Last evaluated: 2018-06-19. Review status: criteria provided, single submitter. Criteria: GeneDx Variant Classification (06012015). Collection method: clinical testing. Allele origin: germline. Affected: yes.
Comment: This variant is considered likely benign or benign based on one or more of the following criteria: it is a conservative change, it occurs at a poorly conserved position in the protein, it is predicted to be benign by multiple in silico algorithms, and/or has population frequency not consistent with disease.

NM_005045.4(RELN):c.1892+283G>A

Gene: RELN (reelin; minus strand). Cytogenetic location: 7q22.1.
Variant type: single nucleotide variant.
Coding change: c.1892+283G>A on transcript NM_005045.4 (MANE Select); 283 bases into the intron after coding-DNA position 1892, G replaced by A.
Molecular consequence: intron variant.
Genome position (GRCh38, 1-based): chr7:103,651,378, C>T on the plus strand (G>A on the coding strand, the complement: RELN is on the minus strand). VCF-style: chr7-103651378-C-T. GRCh37 (hg19) VCF-style: chr7-103291825-C-T.
Other names: c.1892+283G>A (NM_173054.3).
Identifiers: ClinVar variation 684062 (VCV000684062.1), dbSNP rs6958081, ClinGen allele CA163939817.